The following is an entry in ClinVar:

NM_015450.3(POT1):c.1369+5G>A

Gene: POT1 (protection of telomeres 1; minus strand). Cytogenetic location: 7q31.33.
Variant type: single nucleotide variant.
Coding change: c.1369+5G>A on transcript NM_015450.3 (MANE Select); 5 bases into the intron after coding-DNA position 1369, G replaced by A.
Molecular consequence: intron variant.
Genome position (GRCh38, 1-based): chr7:124,840,968, C>T on the plus strand (G>A on the coding strand, the complement: POT1 is on the minus strand). VCF-style: chr7-124840968-C-T. GRCh37 (hg19) VCF-style: chr7-124481022-C-T.
Other names: c.976+5G>A (NM_001042594.2); c.1369+5G>A (NM_015450.2).
Identifiers: ClinVar variation 1418306 (VCV001418306.8), dbSNP rs1297963302, ClinGen allele CA832768126.

ClinVar aggregate classification (germline): Conflicting classifications of pathogenicity. Review status: criteria provided, conflicting classifications (1 of 4 stars). 3 submissions from 3 submitters: Uncertain significance (2); Likely benign (1). Last evaluated 2026-04-17.

Conditions:
Tumor predisposition syndrome 3 (TPDS3). Also called: Glioma susceptibility 9; LONG TELOMERE SYNDROME, POT1-RELATED; POT1 Tumor Predisposition; Melanoma, cutaneous malignant, susceptibility to, 10. Identifiers: Orphanet 618, MedGen C4014476, MONDO:0014368, OMIM 615848.
Pulmonary fibrosis and/or bone marrow failure syndrome, telomere-related, 8 (PFBMFT8). Identifiers: MedGen C5830496, MONDO:0957263, OMIM 620367.
Cerebroretinal microangiopathy with calcifications and cysts 3 (CRMCC3). Identifiers: MedGen C5830497, MONDO:0957264, OMIM 620368.
Hereditary cancer-predisposing syndrome. Also called: Tumor predisposition; Neoplastic Syndromes, Hereditary; Hereditary Cancer Syndrome; Hereditary neoplastic syndrome. Identifiers: Orphanet 140162, MedGen C0027672, MeSH D009386, MONDO:0015356.

Allele frequency attached by ClinVar (database versions not stated): gnomAD 0.00002.
gnomAD v4.1: 3 of 1,582,714 alleles (0.00019%); highest among the groups gnomAD compares: African/African-American, 0.004%; no homozygotes.

Submissions (3):

Ambry Genetics
Classification: Uncertain significance for Hereditary cancer-predisposing syndrome. Last evaluated: 2026-04-17. Review status: criteria provided, single submitter. Criteria: Ambry Variant Classification Scheme 2023. Collection method: clinical testing. Allele origin: germline.
Comment: The c.1369+5G>A intronic variant results from a G to A substitution 5 nucleotides after coding exon 10 in the POT1 gene. This nucleotide position is well conserved in available vertebrate species. In silico splice site analysis predicts that this alteration will not have any significant effect on splicing. Based on the available evidence, the clinical significance of this variant remains unclear.

Labcorp Genetics (formerly Invitae), Labcorp
Classification: Likely benign for Tumor predisposition syndrome 3. Last evaluated: 2025-05-18. Review status: criteria provided, single submitter. Criteria: Invitae Variant Classification Sherloc (09022015). Collection method: clinical testing. Allele origin: germline.

Fulgent Genetics
Classification: Uncertain significance for Tumor predisposition syndrome 3; Pulmonary fibrosis and/or bone marrow failure syndrome, telomere-related, 8; Cerebroretinal microangiopathy with calcifications and cysts 3. Last evaluated: 2024-04-09. Review status: criteria provided, single submitter. Criteria: ACMG Guidelines, 2015. Collection method: clinical testing. Allele origin: germline.